The following is an entry in ClinVar:

ClinVar aggregate classification (germline): Uncertain significance. Review status: criteria provided, multiple submitters, no conflicts (2 of 4 stars). 2 submissions from 2 submitters: Uncertain significance (2). Last evaluated 2025-01-20.

Conditions:
Hereditary cancer-predisposing syndrome. Also called: Hereditary Cancer Syndrome; Tumor predisposition; Hereditary neoplastic syndrome; Neoplastic Syndromes, Hereditary. Identifiers: Orphanet 140162, MedGen C0027672, MeSH D009386, MONDO:0015356.
Multiple endocrine neoplasia, type 2 (MEN2). Identifiers: Orphanet 653, MedGen C4048306, MONDO:0019003. Disease mechanism: gain of function.

Submissions (2):

Ambry Genetics
Classification: Uncertain significance for Hereditary cancer-predisposing syndrome. Last evaluated: 2025-01-20. Review status: criteria provided, single submitter. Criteria: Ambry Variant Classification Scheme 2023. Collection method: clinical testing. Allele origin: germline.
Comment: The p.F272S variant (also known as c.815T>C), located in coding exon 4 of the RET gene, results from a T to C substitution at nucleotide position 815. The phenylalanine at codon 272 is replaced by serine, an amino acid with highly dissimilar properties. This amino acid position is not well conserved in available vertebrate species. In addition, the in silico prediction for this alteration is inconclusive. Based on the available evidence, the clinical significance of this variant remains unclear.

Labcorp Genetics (formerly Invitae), Labcorp
Classification: Uncertain significance for Multiple endocrine neoplasia, type 2. Last evaluated: 2022-05-26. Review status: criteria provided, single submitter. Criteria: Invitae Variant Classification Sherloc (09022015). Collection method: clinical testing. Allele origin: germline.
Comment: In summary, the available evidence is currently insufficient to determine the role of this variant in disease. Therefore, it has been classified as a Variant of Uncertain Significance. Algorithms developed to predict the effect of missense changes on protein structure and function are either unavailable or do not agree on the potential impact of this missense change (SIFT: "Deleterious"; PolyPhen-2: "Benign"; Align-GVGD: "Class C0"). This variant has not been reported in the literature in individuals affected with RET-related conditions. This variant is not present in population databases (gnomAD no frequency). This sequence change replaces phenylalanine, which is neutral and non-polar, with serine, which is neutral and polar, at codon 272 of the RET protein (p.Phe272Ser).

NM_020975.6(RET):c.815T>C (p.Phe272Ser)

Gene: RET (ret proto-oncogene; plus strand). Cytogenetic location: 10q11.21.
Variant type: single nucleotide variant.
Coding change: c.815T>C on transcript NM_020975.6 (MANE Select); coding-DNA position 815, T replaced by C.
Protein change: p.Phe272Ser; replaces phenylalanine 272 with serine.
Molecular consequence: missense variant.
Genome position (GRCh38, 1-based): chr10:43,105,141, T>C. VCF-style: chr10-43105141-T-C. GRCh37 (hg19) VCF-style: chr10-43600589-T-C.
Other names: c.815T>C, p.Phe272Ser (NM_000323.2, NM_001406743.1, NM_001406744.1 and 8 more transcripts); c.53T>C, p.Phe18Ser (NM_001355216.2); c.686T>C, p.Phe229Ser (NM_001406761.1, NM_001406762.1, NM_001406764.1 and 2 more transcripts); c.527T>C, p.Phe176Ser (NM_001406766.1, NM_001406767.1, NM_001406770.1); short protein forms F18S, F272S, F176S, F229S.
Identifiers: ClinVar variation 1408723 (VCV001408723.10), dbSNP rs2132708113, ClinGen allele CA376545181.